The following is an entry in ClinVar:

NM_000135.4(FANCA):c.1847C>T (p.Ser616Phe)

Gene: FANCA (FA complementation group A; minus strand). Cytogenetic location: 16q24.3.
Variant type: single nucleotide variant.
Coding change: c.1847C>T on transcript NM_000135.4 (MANE Select); coding-DNA position 1847, C replaced by T.
Protein change: p.Ser616Phe; replaces serine 616 with phenylalanine.
Molecular consequence: missense variant.
Genome position (GRCh38, 1-based): chr16:89,775,795, G>A on the plus strand (C>T on the coding strand, the complement: FANCA is on the minus strand). VCF-style: chr16-89775795-G-A. GRCh37 (hg19) VCF-style: chr16-89842203-G-A.
Other names: c.1847C>T, p.Ser616Phe (NM_001286167.3); short protein forms S616F.
Identifiers: ClinVar variation 2100935 (VCV002100935.4), dbSNP rs533599861, ClinGen allele CA397452045.

ClinVar aggregate classification (germline): Uncertain significance (1 of 4 stars; one submission).

Conditions:
Fanconi anemia (FA). Also called: Fanconi's anemia. Identifiers: Orphanet 84, MedGen C0015625, MeSH D005199, MONDO:0019391.

Submission:

Labcorp Genetics (formerly Invitae), Labcorp
Classification: Uncertain significance for Fanconi anemia. Last evaluated: 2025-07-21. Review status: criteria provided, single submitter. Criteria: Invitae Variant Classification Sherloc (09022015). Collection method: clinical testing. Allele origin: germline.
Comment: This sequence change replaces serine, which is neutral and polar, with phenylalanine, which is neutral and non-polar, at codon 616 of the FANCA protein (p.Ser616Phe). This variant is not present in population databases (gnomAD no frequency). This variant has not been reported in the literature in individuals affected with FANCA-related conditions. ClinVar contains an entry for this variant (Variation ID: 2100935). Invitae Evidence Modeling of protein sequence and biophysical properties (such as structural, functional, and spatial information, amino acid conservation, physicochemical variation, residue mobility, and thermodynamic stability) indicates that this missense variant is not expected to disrupt FANCA protein function with a negative predictive value of 95%. In summary, the available evidence is currently insufficient to determine the role of this variant in disease. Therefore, it has been classified as a Variant of Uncertain Significance.